The following is an entry in ClinVar:

NM_006019.4(TCIRG1):c.1884del (p.Gln629fs)

Gene: TCIRG1 (T cell immune regulator 1, ATPase H+ transporting V0 subunit a3; plus strand). Cytogenetic location: 11q13.2.
Variant type: Deletion.
Coding change: c.1884del on transcript NM_006019.4 (MANE Select); coding-DNA position 1884, one base deleted (G; older notation c.1884delG).
Protein change: p.Gln629fs; shifts the reading frame from glutamine 629.
Molecular consequence: frameshift variant.
Genome position (GRCh38, 1-based): chr11:68,049,291, G deleted; the last of 2 consecutive G bases (chr11:68,049,290-68,049,291); deleting either gives the same sequence. VCF-style (leftmost placement, unchanged base first): chr11-68049289-CG-C. GRCh37 (hg19) VCF-style: chr11-67816756-CG-C.
Other names: c.990del, p.Gln331fs (NM_001351059.2); c.1236del, p.Gln413fs (NM_006053.4); short protein forms Q331fs, Q413fs, Q629fs.
Identifiers: ClinVar variation 1726406 (VCV001726406.2), dbSNP rs2495659749, ClinGen allele CA2580084641.

ClinVar aggregate classification (germline): Likely pathogenic (1 of 4 stars; one submission).

Conditions:
Autosomal recessive osteopetrosis 1. Also called: TCIRG1-Related Autosomal Recessive Osteopetrosis; ALBERS-SCHONBERG DISEASE, AUTOSOMAL RECESSIVE; TCIRG1-Related Osteopetrosis. Identifiers: Orphanet 667, MedGen C1850127, MONDO:0009815, OMIM 259700.

Submission:

Myriad Genetics, Inc.
Classification: Likely pathogenic for Autosomal recessive osteopetrosis 1. Last evaluated: 2021-12-17. Review status: criteria provided, single submitter. Criteria: Myriad Women's Health Autosomal Recessive and X-Linked Classification Criteria (2021). Collection method: clinical testing. Allele origin: unknown.
Comment: NM_006019.3(TCIRG1):c.1884delG(Q629Rfs*58) is expected to be pathogenic in the context of autosomal recessive osteopetrosis type 1. This variant is predicted to lead to an abnormal or absent protein product due to the creation of a premature termination codon in TCIRG1, a gene where loss-of-function variants are known to be pathogenic. Please note: this variant was assessed in the context of healthy population screening.